The following is an entry in ClinVar:

NM_030761.5(WNT4):c.811G>C (p.Val271Leu)

Gene: WNT4 (Wnt family member 4; minus strand). Cytogenetic location: 1p36.12.
Variant type: single nucleotide variant.
Coding change: c.811G>C on transcript NM_030761.5 (MANE Select); coding-DNA position 811, G replaced by C.
Protein change: p.Val271Leu; replaces valine 271 with leucine.
Molecular consequence: missense variant.
Genome position (GRCh38, 1-based): chr1:22,120,295, C>G on the plus strand (G>C on the coding strand, the complement: WNT4 is on the minus strand). VCF-style: chr1-22120295-C-G. GRCh37 (hg19) VCF-style: chr1-22446788-C-G.
Other names: short protein forms V271L.
Identifiers: ClinVar variation 3344584 (VCV003344584.1).
Genomic context (GRCh38, chr1:22,120,295, plus strand): 5'-TGCCCAGCACGCCGCTGCGCATGTCCTGCTCACAGAAGTCGGGGCTAGGCTCCAAGTACA[C>G]CAGGTCCTCATCTGTGTGCGGCTTGAACTGTGCGTTGCGTGGCACCAGTGCCCTGGAGGA-3'
Protein context (NP_110388.2, residues 261-281): QFKPHTDEDL[Val271Leu]YLEPSPDFCE

ClinVar aggregate classification (germline): Uncertain significance (0 of 4 stars; one submission).

Conditions:
WNT4-related disorder. Also called: WNT4-related condition.

Submission:

PreventionGenetics, part of Exact Sciences
Classification: Uncertain significance for WNT4-related condition. Last evaluated: 2024-07-02. Review status: no assertion criteria provided. Collection method: clinical testing. Allele origin: germline.
Comment: The WNT4 c.811G>C variant is predicted to result in the amino acid substitution p.Val271Leu. To our knowledge, this variant has not been reported in the literature or in a large population database, indicating this variant is rare. At this time, the clinical significance of this variant is uncertain due to the absence of conclusive functional and genetic evidence.